The following is an entry in ClinVar:

NM_002206.3(ITGA7):c.2393G>A (p.Arg798Gln)

Genes: ITGA7 (integrin subunit alpha 7; minus strand), LOC126861535 (CDK7 strongly-dependent group 2 enhancer GRCh37_chr12:56087579-56088778; plus strand). Cytogenetic location: 12q13.2.
Variant type: single nucleotide variant.
Coding change: c.2393G>A on transcript NM_002206.3 (MANE Select); coding-DNA position 2393, G replaced by A.
Protein change: p.Arg798Gln; replaces arginine 798 with glutamine.
Molecular consequence: missense variant.
Genome position (GRCh38, 1-based): chr12:55,694,295, C>T on the plus strand (G>A on the coding strand, the complement: ITGA7 is on the minus strand). VCF-style: chr12-55694295-C-T. GRCh37 (hg19) VCF-style: chr12-56088079-C-T.
Other names: c.2405G>A, p.Arg802Gln (NM_001144996.2); c.2114G>A, p.Arg705Gln (NM_001144997.2); c.2066G>A, p.Arg689Gln (NM_001367993.1); c.1049G>A, p.Arg350Gln (NM_001367994.1); c.2375G>A, p.Arg792Gln (NM_001374465.1); c.2525G>A, p.Arg842Gln (NM_001410977.1); c.2387G>A, p.Arg796Gln (NM_001414029.1); c.2318G>A, p.Arg773Gln (NM_001414030.1); and 5 more; short protein forms R792Q, R798Q, R350Q, R689Q, R802Q, R705Q, R842Q, R685Q.
Identifiers: ClinVar variation 844969 (VCV000844969.8), dbSNP rs923021284, ClinGen allele CA237568531.

ClinVar aggregate classification (germline): Uncertain significance. Review status: criteria provided, multiple submitters, no conflicts (2 of 4 stars). 2 submissions from 2 submitters: Uncertain significance (2). Last evaluated 2024-12-02.

Conditions:
Congenital muscular dystrophy due to integrin alpha-7 deficiency. Also called: MYOPATHY, CONGENITAL, DUE TO INTEGRIN ALPHA-7 DEFICIENCY; Congenital muscular dystrophy with integrin alpha-7 deficiency; Muscular dystrophy, congenital, due to ITGA7 deficiency. Identifiers: Orphanet 34520, MedGen C2750786, MONDO:0013177, OMIM 613204.

Allele frequency attached by ClinVar (database versions not stated): gnomAD exomes below 0.00001 and 0.00001; gnomAD 0.00001; TOPMed 0.00002.
gnomAD v4.1: 8 of 1,613,882 alleles (0.0005%); highest among the groups gnomAD compares: Admixed American, 0.0067%; no homozygotes.

Submissions (2):

GeneDx
Classification: Uncertain significance. Last evaluated: 2024-12-02. Review status: criteria provided, single submitter. Criteria: GeneDx Variant Classification Process June 2021. Collection method: clinical testing. Allele origin: germline. Affected: yes.
Comment: Not observed at significant frequency in large population cohorts (gnomAD); In silico analysis indicates that this missense variant does not alter protein structure/function; Has not been previously published as pathogenic or benign to our knowledge

Labcorp Genetics (formerly Invitae), Labcorp
Classification: Uncertain significance for Congenital muscular dystrophy due to integrin alpha-7 deficiency. Last evaluated: 2022-02-04. Review status: criteria provided, single submitter. Criteria: Invitae Variant Classification Sherloc (09022015). Collection method: clinical testing. Allele origin: germline.
Comment: This variant is present in population databases (no rsID available, gnomAD 0.01%). This variant has not been reported in the literature in individuals affected with ITGA7-related conditions. ClinVar contains an entry for this variant (Variation ID: 844969). Algorithms developed to predict the effect of missense changes on protein structure and function (SIFT, PolyPhen-2, Align-GVGD) all suggest that this variant is likely to be tolerated. In summary, the available evidence is currently insufficient to determine the role of this variant in disease. Therefore, it has been classified as a Variant of Uncertain Significance. This sequence change replaces arginine, which is basic and polar, with glutamine, which is neutral and polar, at codon 798 of the ITGA7 protein (p.Arg798Gln).